The following is an entry in ClinVar:

NM_017791.3(FLVCR2):c.693G>T (p.Leu231Phe)

Gene: FLVCR2 (FLVCR choline and putative heme transporter 2; plus strand). Cytogenetic location: 14q24.3.
Variant type: single nucleotide variant.
Coding change: c.693G>T on transcript NM_017791.3 (MANE Select); coding-DNA position 693, G replaced by T.
Protein change: p.Leu231Phe; replaces leucine 231 with phenylalanine.
Molecular consequence: missense variant.
Genome position (GRCh38, 1-based): chr14:75,622,102, G>T. VCF-style: chr14-75622102-G-T. GRCh37 (hg19) VCF-style: chr14-76088445-G-T.
Other names: c.78G>T, p.Leu26Phe (NM_001195283.2); c.693G>T (NM_017791.2); short protein forms L231F, L26F.
Identifiers: ClinVar variation 3703963 (VCV003703963.3).

ClinVar aggregate classification (germline): Uncertain significance. Review status: criteria provided, multiple submitters, no conflicts (2 of 4 stars). 2 submissions from 2 submitters: Uncertain significance (2). Last evaluated 2025-08-01.

Conditions:
Inborn genetic diseases. Identifiers: MedGen C0950123, MeSH D030342.

gnomAD v4.1: 31 of 1,613,970 alleles (0.0019%); highest among the groups gnomAD compares: Non-Finnish European, 0.0024%; no homozygotes.

Submissions (2):

Ambry Genetics
Classification: Uncertain significance for Inborn genetic diseases. Last evaluated: 2025-08-01. Review status: criteria provided, single submitter. Criteria: Ambry Variant Classification Scheme 2023. Collection method: clinical testing. Allele origin: germline.

Labcorp Genetics (formerly Invitae), Labcorp
Classification: Uncertain significance. Last evaluated: 2024-07-29. Review status: criteria provided, single submitter. Criteria: Invitae Variant Classification Sherloc (09022015). Collection method: clinical testing. Allele origin: germline.
Comment: This sequence change replaces leucine, which is neutral and non-polar, with phenylalanine, which is neutral and non-polar, at codon 231 of the FLVCR2 protein (p.Leu231Phe). This variant is present in population databases (rs776019370, gnomAD 0.0009%). This variant has not been reported in the literature in individuals affected with FLVCR2-related conditions. Advanced modeling of protein sequence and biophysical properties (such as structural, functional, and spatial information, amino acid conservation, physicochemical variation, residue mobility, and thermodynamic stability) performed at Invitae indicates that this missense variant is not expected to disrupt FLVCR2 protein function with a negative predictive value of 80%. In summary, the available evidence is currently insufficient to determine the role of this variant in disease. Therefore, it has been classified as a Variant of Uncertain Significance.